The following is an entry in ClinVar:

ClinVar aggregate classification (germline): Uncertain significance (1 of 4 stars; one submission).

Allele frequency attached by ClinVar (database versions not stated): gnomAD exomes below 0.00001; TOPMed below 0.00001.
gnomAD v4.1: 5 of 1,614,102 alleles (0.00031%); highest among the groups gnomAD compares: Non-Finnish European, 0.00025%; no homozygotes.

Submission:

GeneDx
Classification: Uncertain significance. Last evaluated: 2019-05-30. Review status: criteria provided, single submitter. Criteria: GeneDx Variant Classification Process June 2021. Collection method: clinical testing. Allele origin: germline. Affected: yes.
Comment: Not observed in large population cohorts (Lek et al., 2016); In silico analysis, which includes protein predictors and evolutionary conservation, supports that this variant does not alter protein structure/function; Has not been previously published as pathogenic or benign to our knowledge

NM_006940.6(SOX5):c.361G>A (p.Gly121Ser)

Gene: SOX5 (SRY-box transcription factor 5; minus strand). Cytogenetic location: 12p12.1.
Variant type: single nucleotide variant.
Coding change: c.361G>A on transcript NM_006940.6 (MANE Select); coding-DNA position 361, G replaced by A.
Protein change: p.Gly121Ser; replaces glycine 121 with serine.
Molecular consequence: missense variant.
Genome position (GRCh38, 1-based): chr12:23,846,103, C>T on the plus strand (G>A on the coding strand, the complement: SOX5 is on the minus strand). VCF-style: chr12-23846103-C-T. GRCh37 (hg19) VCF-style: chr12-23999037-C-T.
Other names: c.322G>A, p.Gly108Ser (NM_001261414.3, NM_152989.5); c.331G>A, p.Gly111Ser (NM_001261415.3); c.256G>A, p.Gly86Ser (NM_001330785.2); short protein forms G108S, G111S, G121S, G86S.
Identifiers: ClinVar variation 1306237 (VCV001306237.2), dbSNP rs1228608281, ClinGen allele CA384322145.